The following is an entry in ClinVar:

ClinVar aggregate classification (germline): Pathogenic (1 of 4 stars; one submission).

Conditions:
Severe combined immunodeficiency, autosomal recessive, T cell-negative, B cell-negative, NK cell-positive. Also called: SCID, AR, T-cell negative, B-cell negative, NK cell-positive; SCID, T CELL-NEGATIVE, B CELL-NEGATIVE, NK CELL-POSITIVE; Severe combined immunodeficiency due to complete RAG1/2 deficiency. Identifiers: Orphanet 331206, MedGen C1832322, MONDO:0011086, OMIM 601457.
Combined immunodeficiency with skin granulomas. Identifiers: Orphanet 157949, MedGen C2673536, MONDO:0009306, OMIM 233650.

Submission:

Labcorp Genetics (formerly Invitae), Labcorp
Classification: Pathogenic for Combined immunodeficiency with skin granulomas; Severe combined immunodeficiency, autosomal recessive, T cell-negative, B cell-negative, NK cell-positive. Last evaluated: 2023-11-27. Review status: criteria provided, single submitter. Criteria: Invitae Variant Classification Sherloc (09022015). Collection method: clinical testing. Allele origin: germline.
Comment: This sequence change creates a premature translational stop signal (p.Tyr912*) in the RAG1 gene. While this is not anticipated to result in nonsense mediated decay, it is expected to disrupt the last 132 amino acid(s) of the RAG1 protein. This variant is not present in population databases (gnomAD no frequency). This variant has not been reported in the literature in individuals affected with RAG1-related conditions. ClinVar contains an entry for this variant (Variation ID: 1353693). This variant disrupts a region of the RAG1 protein in which other variant(s) (p.Trp959*) have been determined to be pathogenic (PMID: 11133745, 24290284, 24406074). This suggests that this is a clinically significant region of the protein, and that variants that disrupt it are likely to be disease-causing. For these reasons, this variant has been classified as Pathogenic.

Literature cited by the submitters: PubMed 11133745; PubMed 24290284; PubMed 24406074.

NM_000448.3(RAG1):c.2736_2737del (p.Tyr912_Ser913delinsTer)

Gene: RAG1 (recombination activating 1; plus strand). Cytogenetic location: 11p12.
Variant type: Deletion.
Coding change: c.2736_2737del on transcript NM_000448.3 (MANE Select); coding-DNA positions 2736 to 2737, 2 bases deleted (CA; older notation c.2736_2737delCA).
Protein change: p.Tyr912_Ser913delinsTer.
Molecular consequence: nonsense.
Genome position (GRCh38, 1-based): chr11:36,576,040-36,576,041, CA deleted; deleting any 2 consecutive bases within chr11:36,576,039-36,576,041 gives the same sequence; the c. name uses the placement nearest the transcript's 3' end. VCF-style (leftmost placement, unchanged base first): chr11-36576038-TAC-T. GRCh37 (hg19) VCF-style: chr11-36597588-TAC-T.
Other names: c.2736_2737del, p.Tyr912_Ser913delinsTer (NM_001377277.1, NM_001377278.1, NM_001377279.1 and 1 more transcripts).
Identifiers: ClinVar variation 1353693 (VCV001353693.8), dbSNP rs1317208073, ClinGen allele CA675985027.